The following is an entry in ClinVar:

NM_001378454.1(ALMS1):c.9278G>T (p.Arg3093Ile)

Gene: ALMS1 (ALMS1 centrosome and basal body associated protein; plus strand). Cytogenetic location: 2p13.1.
Variant type: single nucleotide variant.
Coding change: c.9278G>T on transcript NM_001378454.1 (MANE Select); coding-DNA position 9278, G replaced by T.
Protein change: p.Arg3093Ile; replaces arginine 3093 with isoleucine.
Molecular consequence: missense variant.
Genome position (GRCh38, 1-based): chr2:73,491,237, G>T. VCF-style: chr2-73491237-G-T. GRCh37 (hg19) VCF-style: chr2-73718364-G-T.
Other names: c.9281G>T, p.Arg3094Ile (NM_015120.4); short protein forms R3093I, R3094I.
Identifiers: ClinVar variation 1517428 (VCV001517428.5), dbSNP rs1320008798, ClinGen allele CA347273891.

ClinVar aggregate classification (germline): Uncertain significance. Review status: criteria provided, multiple submitters, no conflicts (2 of 4 stars). 3 submissions from 3 submitters: Uncertain significance (2). 1 of the submissions does not count toward it. Last evaluated 2021-11-14.

Conditions:
Alstrom syndrome (ALMS). Identifiers: Orphanet 64, MedGen C0268425, MONDO:0008763, OMIM 203800.

Allele frequency attached by ClinVar (database versions not stated): TOPMed below 0.00001; gnomAD exomes 0.00001.
gnomAD v4.1: 18 of 1,614,102 alleles (0.0011%); highest among the groups gnomAD compares: Non-Finnish European, 0.0015%; no homozygotes.

Submissions (3):

Fulgent Genetics
Classification: Uncertain significance for Alstrom syndrome. Last evaluated: 2021-11-14. Review status: criteria provided, single submitter. Criteria: ACMG Guidelines, 2015. Collection method: clinical testing. Allele origin: unknown.

Labcorp Genetics (formerly Invitae), Labcorp
Classification: Uncertain significance for Alstrom syndrome. Last evaluated: 2021-09-06. Review status: criteria provided, single submitter. Criteria: Invitae Variant Classification Sherloc (09022015). Collection method: clinical testing. Allele origin: germline.
Comment: This sequence change replaces arginine with isoleucine at codon 3094 of the ALMS1 protein (p.Arg3094Ile). The arginine residue is moderately conserved and there is a moderate physicochemical difference between arginine and isoleucine. This variant is not present in population databases (ExAC no frequency). This variant has not been reported in the literature in individuals affected with ALMS1-related conditions. Experimental studies and prediction algorithms are not available or were not evaluated, and the functional significance of this variant is currently unknown. In summary, the available evidence is currently insufficient to determine the role of this variant in disease. Therefore, it has been classified as a Variant of Uncertain Significance.

Natera, Inc.
Classification: Uncertain significance for Alstrom syndrome. Last evaluated: 2025-01-30. Review status: no assertion criteria provided. Collection method: clinical testing. Allele origin: germline. Not counted in ClinVar's aggregate classification.